The following is an entry in ClinVar:

NM_005876.5(SPEG):c.9232G>A (p.Gly3078Ser)

Genes: ASIC4-AS1 (ASIC4 antisense RNA 1; minus strand), SPEG (striated muscle enriched protein kinase; plus strand). Cytogenetic location: 2q35.
Variant type: single nucleotide variant.
Coding change: c.9232G>A on transcript NM_005876.5 (MANE Select); coding-DNA position 9232, G replaced by A.
Protein change: p.Gly3078Ser; replaces glycine 3078 with serine.
Molecular consequence: missense variant.
Genome position (GRCh38, 1-based): chr2:219,490,803, G>A. VCF-style: chr2-219490803-G-A. GRCh37 (hg19) VCF-style: chr2-220355525-G-A.
Other names: c.9232G>A (NM_005876.4); short protein forms G3078S.
Identifiers: ClinVar variation 2081382 (VCV002081382.30), dbSNP rs200692984, ClinGen allele CA2127706.

ClinVar aggregate classification (germline): Uncertain significance. Review status: criteria provided, multiple submitters, no conflicts (2 of 4 stars). 3 submissions from 3 submitters: Uncertain significance (3). Last evaluated 2024-07-17.

Conditions:
Inborn genetic diseases. Identifiers: MedGen C0950123, MeSH D030342.

Allele frequency attached by ClinVar (database versions not stated): gnomAD 0.00006; TOPMed 0.00007; ExAC 0.00008; ESP Exome Variant Server 0.00039.
gnomAD v4.1: 142 of 1,613,930 alleles (0.0088%); highest among the groups gnomAD compares: Non-Finnish European, 0.011%; no homozygotes.

Submissions (3):

Ambry Genetics
Classification: Uncertain significance for Inborn genetic diseases. Last evaluated: 2024-07-17. Review status: criteria provided, single submitter. Criteria: Ambry Variant Classification Scheme 2023. Collection method: clinical testing. Allele origin: germline.

CeGaT Center for Human Genetics Tuebingen
Classification: Uncertain significance. Last evaluated: 2023-02-01. Review status: criteria provided, single submitter. Criteria: CeGaT Center For Human Genetics Tuebingen Variant Classification Criteria Version 2. Collection method: clinical testing. Allele origin: germline. Affected: yes. Observed: 1 variant allele.
Comment: SPEG: PM2, BP4

Labcorp Genetics (formerly Invitae), Labcorp
Classification: Uncertain significance. Last evaluated: 2022-10-13. Review status: criteria provided, single submitter. Criteria: Invitae Variant Classification Sherloc (09022015). Collection method: clinical testing. Allele origin: germline.
Comment: This sequence change replaces glycine, which is neutral and non-polar, with serine, which is neutral and polar, at codon 3078 of the SPEG protein (p.Gly3078Ser). This variant is present in population databases (rs200692984, gnomAD 0.02%). This variant has not been reported in the literature in individuals affected with SPEG-related conditions. Algorithms developed to predict the effect of missense changes on protein structure and function output the following: SIFT: "Tolerated"; PolyPhen-2: "Benign"; Align-GVGD: "Class C0". The serine amino acid residue is found in multiple mammalian species, which suggests that this missense change does not adversely affect protein function. In summary, the available evidence is currently insufficient to determine the role of this variant in disease. Therefore, it has been classified as a Variant of Uncertain Significance.